The following is an entry in ClinVar:

ClinVar aggregate classification (germline): Uncertain significance (1 of 4 stars; one submission).

Submission:

Labcorp Genetics (formerly Invitae), Labcorp
Classification: Uncertain significance. Last evaluated: 2025-03-22. Review status: criteria provided, single submitter. Criteria: Invitae Variant Classification Sherloc (09022015). Collection method: clinical testing. Allele origin: germline.
Comment: This sequence change replaces proline, which is neutral and non-polar, with histidine, which is basic and polar, at codon 1103 of the DCHS1 protein (p.Pro1103His). This variant is not present in population databases (gnomAD no frequency). This variant has not been reported in the literature in individuals affected with DCHS1-related conditions. ClinVar contains an entry for this variant (Variation ID: 1347454). Invitae Evidence Modeling of protein sequence and biophysical properties (such as structural, functional, and spatial information, amino acid conservation, physicochemical variation, residue mobility, and thermodynamic stability) indicates that this missense variant is expected to disrupt DCHS1 protein function with a positive predictive value of 80%. In summary, the available evidence is currently insufficient to determine the role of this variant in disease. Therefore, it has been classified as a Variant of Uncertain Significance.

NM_003737.4(DCHS1):c.3308C>A (p.Pro1103His)

Gene: DCHS1 (dachsous cadherin-related 1; minus strand). Cytogenetic location: 11p15.4.
Variant type: single nucleotide variant.
Coding change: c.3308C>A on transcript NM_003737.4 (MANE Select); coding-DNA position 3308, C replaced by A.
Protein change: p.Pro1103His; replaces proline 1103 with histidine.
Molecular consequence: missense variant.
Genome position (GRCh38, 1-based): chr11:6,632,204, G>T on the plus strand (C>A on the coding strand, the complement: DCHS1 is on the minus strand). VCF-style: chr11-6632204-G-T. GRCh37 (hg19) VCF-style: chr11-6653435-G-T.
Other names: short protein forms P1103H.
Identifiers: ClinVar variation 1347454 (VCV001347454.6), dbSNP rs2134630219, ClinGen allele CA379415930.